The following is an entry in ClinVar:

NM_001848.3(COL6A1):c.777G>A (p.Pro259=)

Gene: COL6A1 (collagen type VI alpha 1 chain; plus strand). Cytogenetic location: 21q22.3.
Variant type: single nucleotide variant.
Coding change: c.777G>A on transcript NM_001848.3 (MANE Select); coding-DNA position 777, G replaced by A.
Protein change: p.Pro259=; no amino-acid change (proline 259 retained).
Molecular consequence: synonymous variant.
Genome position (GRCh38, 1-based): chr21:45,987,627, G>A. VCF-style: chr21-45987627-G-A. GRCh37 (hg19) VCF-style: chr21-47407541-G-A.
Identifiers: ClinVar variation 258306 (VCV000258306.19), dbSNP rs61735854, ClinGen allele CA10069747.
Genomic context (GRCh38, chr21:45,987,627, plus strand): 5'-CCTGAGTCTGGGGTCCTGGCTGACCGTCCCCTCTGCCTTGCAGCCTGCAAGAGGACCTCC[G>A]GGGCTCCGGGGCGACCCCGGCTTTGAGGTGAGTGGTGACTCCTGCTCCTCCCATGTGTTG-3'
Protein context (NP_001839.2, residues 249-269): SFECQPARGP[Pro259=]GLRGDPGFEG

ClinVar aggregate classification (germline): Benign/Likely benign. Review status: criteria provided, multiple submitters, no conflicts (2 of 4 stars). 5 submissions from 5 submitters: Benign (4); Likely benign (1). Last evaluated 2026-01-28.

Conditions:
Bethlem myopathy 1A. Also called: MYOPATHY, BENIGN CONGENITAL, WITH CONTRACTURES; Bethlem myopathy 1; Bethlem Muscular Dystrophy. Identifiers: Orphanet 610, MedGen CN029274, MONDO:0024530, OMIM 158810.

Allele frequency attached by ClinVar (database versions not stated): ESP Exome Variant Server 0.00539; gnomAD exomes 0.00047 and 0.00108; ExAC 0.00132; 1000 Genomes Project 0.00280; 1000 Genomes Project 30x 0.00375; gnomAD 0.00454 and 0.00491; TOPMed 0.00510.
gnomAD v4.1: 1,399 of 1,611,166 alleles (0.087%); highest among the groups gnomAD compares: African/African-American, 1.6%; 17 homozygotes.

Submissions (5):

Labcorp Genetics (formerly Invitae), Labcorp
Classification: Benign for Bethlem myopathy 1A. Last evaluated: 2026-01-28. Review status: criteria provided, single submitter. Criteria: Invitae Variant Classification Sherloc (09022015). Collection method: clinical testing. Allele origin: germline.

Blueprint Genetics
Classification: Likely benign. Last evaluated: 2024-11-26. Review status: criteria provided, single submitter. Criteria: ACMG Guidelines, 2015. Collection method: clinical testing. Allele origin: germline.

GeneDx
Classification: Benign. Last evaluated: 2019-11-15. Review status: criteria provided, single submitter. Criteria: GeneDx Variant Classification Process June 2021. Collection method: clinical testing. Allele origin: germline. Affected: yes.
Comment: This variant is associated with the following publications: (PMID: 26653219)

Breakthrough Genomics
Classification: Benign. Review status: criteria provided, single submitter. Criteria: ACMG Guidelines, 2015. Collection method: not provided. Allele origin: germline. Inheritance: Autosomal recessive inheritance. Affected: yes.

PreventionGenetics, part of Exact Sciences
Classification: Benign. Review status: criteria provided, single submitter. Criteria: ACMG Guidelines, 2015. Collection method: clinical testing. Allele origin: germline.